The following is an entry in ClinVar:

ClinVar aggregate classification (germline): Uncertain significance (1 of 4 stars; one submission).

Conditions:
Leber congenital amaurosis 4 (LCA4). Identifiers: MedGen C1858386, MONDO:0011458, OMIM 604393.

Allele frequency attached by ClinVar (database versions not stated): gnomAD exomes 0.00001 and 0.00002; ExAC 0.00002; gnomAD 0.00002 and 0.00003; TOPMed 0.00002; ESP Exome Variant Server 0.00015.
gnomAD v4.1: 18 of 1,609,862 alleles (0.0011%); highest among the groups gnomAD compares: African/African-American, 0.0053%; no homozygotes.

Submission:

Labcorp Genetics (formerly Invitae), Labcorp
Classification: Uncertain significance for Leber congenital amaurosis 4. Last evaluated: 2022-10-25. Review status: criteria provided, single submitter. Criteria: Invitae Variant Classification Sherloc (09022015). Collection method: clinical testing. Allele origin: germline.
Comment: This sequence change replaces alanine, which is neutral and non-polar, with valine, which is neutral and non-polar, at codon 313 of the AIPL1 protein (p.Ala313Val). This variant is present in population databases (rs139900367, gnomAD 0.01%). This variant has not been reported in the literature in individuals affected with AIPL1-related conditions. ClinVar contains an entry for this variant (Variation ID: 1346744). Advanced modeling of protein sequence and biophysical properties (such as structural, functional, and spatial information, amino acid conservation, physicochemical variation, residue mobility, and thermodynamic stability) performed at Invitae indicates that this missense variant is not expected to disrupt AIPL1 protein function. In summary, the available evidence is currently insufficient to determine the role of this variant in disease. Therefore, it has been classified as a Variant of Uncertain Significance.

NM_014336.5(AIPL1):c.938C>T (p.Ala313Val)

Gene: AIPL1 (AIP like 1 HSP90 co-chaperone; minus strand). Cytogenetic location: 17p13.2.
Variant type: single nucleotide variant.
Coding change: c.938C>T on transcript NM_014336.5 (MANE Select); coding-DNA position 938, C replaced by T.
Protein change: p.Ala313Val; replaces alanine 313 with valine.
Molecular consequence: missense variant. On other transcripts: 3 prime UTR variant (1).
Genome position (GRCh38, 1-based): chr17:6,425,677, G>A on the plus strand (C>T on the coding strand, the complement: AIPL1 is on the minus strand). VCF-style: chr17-6425677-G-A. GRCh37 (hg19) VCF-style: chr17-6328997-G-A.
Other names: c.749C>T, p.Ala250Val (NM_001033054.3); c.758C>T, p.Ala253Val (NM_001033055.3); c.902C>T, p.Ala301Val (NM_001285399.3); c.872C>T, p.Ala291Val (NM_001285400.3); c.866C>T, p.Ala289Val (NM_001285401.3); c.821C>T, p.Ala274Val (NM_001285402.2); c.*909C>T (NM_001285403.4); short protein forms A289V, A274V, A291V, A253V, A301V, A250V, A313V.
Identifiers: ClinVar variation 1346744 (VCV001346744.3), dbSNP rs139900367, ClinGen allele CA8328352.